The following is an entry in ClinVar:

ClinVar aggregate classification (germline): Conflicting classifications of pathogenicity. Review status: criteria provided, conflicting classifications (1 of 4 stars). 4 submissions from 4 submitters: Uncertain significance (3); Benign (1). Last evaluated 2025-03-21.

Conditions:
Bethlem myopathy 1A. Also called: Bethlem Muscular Dystrophy; MYOPATHY, BENIGN CONGENITAL, WITH CONTRACTURES; Bethlem myopathy 1. Identifiers: Orphanet 610, MedGen CN029274, MONDO:0024530, OMIM 158810.

Allele frequency attached by ClinVar (database versions not stated): ExAC 0.00001; gnomAD exomes 0.00001 and 0.00002; gnomAD 0.00015 and 0.00017; TOPMed 0.00015.
gnomAD v4.1: 38 of 1,604,694 alleles (0.0024%); highest among the groups gnomAD compares: African/African-American, 0.039%; no homozygotes.

Submissions (4):

GeneDx
Classification: Uncertain significance. Last evaluated: 2025-03-21. Review status: criteria provided, single submitter. Criteria: GeneDx Variant Classification Process June 2021. Collection method: clinical testing. Allele origin: germline. Affected: yes.
Comment: Reported previously as a variant of uncertain significance in an individual with suspected diagnosis of linb-girdle muscular dystrophy (LGMD) (PMID: 30564623); In silico analysis indicates that this missense variant does not alter protein structure/function; This variant is associated with the following publications: (PMID: 30564623)

Labcorp Genetics (formerly Invitae), Labcorp
Classification: Benign for Bethlem myopathy 1A. Last evaluated: 2025-01-30. Review status: criteria provided, single submitter. Criteria: Invitae Variant Classification Sherloc (09022015). Collection method: clinical testing. Allele origin: germline.

Revvity Omics, Revvity
Classification: Uncertain significance. Last evaluated: 2022-05-11. Review status: criteria provided, single submitter. Criteria: ACMG Guidelines, 2015. Collection method: clinical testing. Allele origin: germline.

Eurofins Ntd Llc (ga)
Classification: Uncertain significance. Last evaluated: 2017-04-06. Review status: criteria provided, single submitter. Criteria: EGL Classification Definitions 2015. Collection method: clinical testing. Allele origin: germline. Observed: 2 variant alleles, 2 heterozygotes.

NM_001848.3(COL6A1):c.2899A>G (p.Ile967Val)

Gene: COL6A1 (collagen type VI alpha 1 chain; plus strand). Cytogenetic location: 21q22.3.
Variant type: single nucleotide variant.
Coding change: c.2899A>G on transcript NM_001848.3 (MANE Select); coding-DNA position 2899, A replaced by G.
Protein change: p.Ile967Val; replaces isoleucine 967 with valine.
Molecular consequence: missense variant.
Genome position (GRCh38, 1-based): chr21:46,003,825, A>G. VCF-style: chr21-46003825-A-G. GRCh37 (hg19) VCF-style: chr21-47423739-A-G.
Other names: short protein forms I967V.
Identifiers: ClinVar variation 288011 (VCV000288011.17), dbSNP rs777671647, ClinGen allele CA10071066.